The following is an entry in ClinVar:

NM_144997.7(FLCN):c.1494T>C (p.Asp498=)

Gene: FLCN (folliculin; minus strand). Cytogenetic location: 17p11.2.
Variant type: single nucleotide variant.
Coding change: c.1494T>C on transcript NM_144997.7 (MANE Select); coding-DNA position 1494, T replaced by C.
Protein change: p.Asp498=; no amino-acid change (aspartic acid 498 retained).
Molecular consequence: synonymous variant.
Genome position (GRCh38, 1-based): chr17:17,215,029, A>G on the plus strand (T>C on the coding strand, the complement: FLCN is on the minus strand). VCF-style: chr17-17215029-A-G. GRCh37 (hg19) VCF-style: chr17-17118343-A-G.
Other names: c.1494T>C (LRG_325t1); c.1548T>C, p.Asp516= (NM_001353229.2); c.1494T>C, p.Asp498= (NM_001353230.2, NM_001353231.2).
Identifiers: ClinVar variation 514752 (VCV000514752.9), dbSNP rs1555606990, ClinGen allele CA498421030.

ClinVar aggregate classification (germline): Benign/Likely benign. Review status: criteria provided, multiple submitters, no conflicts (2 of 4 stars). 4 submissions from 4 submitters: Benign (1); Likely benign (3). Last evaluated 2024-10-25.

Conditions:
Birt-Hogg-Dube syndrome 1 (BHD1). Also called: FIBROFOLLICULOMAS WITH TRICHODISCOMAS AND ACROCHORDONS. Identifiers: Orphanet 122, MedGen CN375946, MONDO:0800445, OMIM 135150.
Hereditary cancer-predisposing syndrome. Also called: Neoplastic Syndromes, Hereditary; Tumor predisposition; Hereditary Cancer Syndrome; Hereditary neoplastic syndrome. Identifiers: Orphanet 140162, MedGen C0027672, MeSH D009386, MONDO:0015356.
Birt-Hogg-Dube syndrome. Also called: Birt Hogg Dubé syndrome. Identifiers: Orphanet 122, MedGen C0346010, MONDO:0800444.

Submissions (4):

Myriad Genetics, Inc.
Classification: Benign for Birt-Hogg-Dube syndrome 1. Last evaluated: 2024-10-25. Review status: criteria provided, single submitter. Criteria: Myriad Autosomal Dominant, Autosomal Recessive and X-Linked Classification Criteria (2023). Collection method: clinical testing. Allele origin: unknown.
Comment: This variant is considered benign. This variant is a silent/synonymous amino acid change and it is not expected to impact splicing.

Labcorp Genetics (formerly Invitae), Labcorp
Classification: Likely benign for Birt-Hogg-Dube syndrome. Last evaluated: 2022-03-19. Review status: criteria provided, single submitter. Criteria: Invitae Variant Classification Sherloc (09022015). Collection method: clinical testing. Allele origin: germline.

Ambry Genetics
Classification: Likely benign for Hereditary cancer-predisposing syndrome. Last evaluated: 2020-05-11. Review status: criteria provided, single submitter. Criteria: Ambry Variant Classification Scheme 2023. Collection method: clinical testing. Allele origin: germline.

GeneDx
Classification: Likely benign. Last evaluated: 2018-01-10. Review status: criteria provided, single submitter. Criteria: GeneDx Variant Classification (06012015). Collection method: clinical testing. Allele origin: germline. Affected: yes.
Comment: This variant is considered likely benign or benign based on one or more of the following criteria: it is a conservative change, it occurs at a poorly conserved position in the protein, it is predicted to be benign by multiple in silico algorithms, and/or has population frequency not consistent with disease.